The following is an entry in ClinVar:

NM_002439.5(MSH3):c.1763+1G>A

Gene: MSH3 (mutS homolog 3; plus strand). Cytogenetic location: 5q14.1.
Variant type: single nucleotide variant.
Coding change: c.1763+1G>A on transcript NM_002439.5 (MANE Select); the canonical splice donor site of the intron after coding-DNA position 1763, G replaced by A.
Molecular consequence: splice donor variant.
Genome position (GRCh38, 1-based): chr5:80,744,616, G>A. VCF-style: chr5-80744616-G-A. GRCh37 (hg19) VCF-style: chr5-80040435-G-A.
Identifiers: ClinVar variation 1515727 (VCV001515727.6), dbSNP rs1257186325, ClinGen allele CA360274855.

ClinVar aggregate classification (germline): Likely pathogenic (1 of 4 stars; one submission).

Allele frequency attached by ClinVar (database versions not stated): gnomAD exomes below 0.00001; gnomAD 0.00001.
gnomAD v4.1: 2 of 1,603,490 alleles (0.00012%); highest among the groups gnomAD compares: East Asian, 0.0022%; no homozygotes.

Submission:

Labcorp Genetics (formerly Invitae), Labcorp
Classification: Likely pathogenic. Last evaluated: 2025-03-04. Review status: criteria provided, single submitter. Criteria: Invitae Variant Classification Sherloc (09022015). Collection method: clinical testing. Allele origin: germline.
Comment: This sequence change affects a donor splice site in intron 12 of the MSH3 gene. It is expected to disrupt RNA splicing. Variants that disrupt the donor or acceptor splice site typically lead to a loss of protein function (PMID: 16199547), and loss-of-function variants in MSH3 are known to be pathogenic (PMID: 27476653, 37402566). This variant is not present in population databases (gnomAD no frequency). This variant has not been reported in the literature in individuals affected with MSH3-related conditions. ClinVar contains an entry for this variant (Variation ID: 1515727). RNA analysis provides insufficient evidence to determine the effect of this variant on MSH3 splicing (internal data). In summary, the currently available evidence indicates that the variant is pathogenic, but additional data are needed to prove that conclusively. Therefore, this variant has been classified as Likely Pathogenic.

Literature cited by the submitters: PubMed 16199547; PubMed 27476653; PubMed 37402566.